The following is an entry in ClinVar:

ClinVar aggregate classification (germline): Uncertain significance (1 of 4 stars; one submission).

gnomAD v4.1: 2 of 1,614,178 alleles (0.00012%); no homozygotes.

Submission:

Ambry Genetics
Classification: Uncertain significance. Last evaluated: 2025-11-10. Review status: criteria provided, single submitter. Criteria: Ambry Variant Classification Scheme 2023. Collection method: clinical testing. Allele origin: germline.
Comment: The p.L1197F variant (also known as c.3589C>T), located in coding exon 13 of the CDK12 gene, results from a C to T substitution at nucleotide position 3589. The leucine at codon 1197 is replaced by phenylalanine, an amino acid with highly similar properties. This amino acid position is conserved. In addition, this alteration is predicted to be tolerated by in silico analysis. Based on the available evidence, the clinical significance of this variant remains unclear.

NM_016507.4(CDK12):c.3589C>T (p.Leu1197Phe)

Gene: CDK12 (cyclin dependent kinase 12; plus strand). Cytogenetic location: 17q12.
Variant type: single nucleotide variant.
Coding change: c.3589C>T on transcript NM_016507.4 (MANE Select); coding-DNA position 3589, C replaced by T.
Protein change: p.Leu1197Phe; replaces leucine 1197 with phenylalanine.
Molecular consequence: missense variant.
Genome position (GRCh38, 1-based): chr17:39,526,145, C>T. VCF-style: chr17-39526145-C-T. GRCh37 (hg19) VCF-style: chr17-37682398-C-T.
Other names: c.3589C>T, p.Leu1197Phe (NM_015083.4); short protein forms L1197F.
Identifiers: ClinVar variation 4651440 (VCV004651440.1).
Genomic context (GRCh38, chr17:39,526,145, plus strand): 5'-GAGTCTTTGAAGGAAGCACCCTCTGCCCCAGTGATCCTGCCTTCAGCAGAACAGACGACC[C>T]TTGAAGCTTCAAGCACACCAGCTGACATGCAGAATATATTGGCAGTTCTCTTGAGTCAGC-3'
Protein context (NP_057591.2, residues 1187-1207): VILPSAEQTT[Leu1197Phe]EASSTPADMQ